The following is an entry in ClinVar:

NM_020338.4(ZMIZ1):c.2752C>G (p.Pro918Ala)

Gene: ZMIZ1 (zinc finger MIZ-type containing 1; plus strand). Cytogenetic location: 10q22.3.
Variant type: single nucleotide variant.
Coding change: c.2752C>G on transcript NM_020338.4 (MANE Select); coding-DNA position 2752, C replaced by G.
Protein change: p.Pro918Ala; replaces proline 918 with alanine.
Molecular consequence: missense variant.
Genome position (GRCh38, 1-based): chr10:79,307,488, C>G. VCF-style: chr10-79307488-C-G. GRCh37 (hg19) VCF-style: chr10-81067245-C-G.
Other names: short protein forms P918A.
Identifiers: ClinVar variation 4087991 (VCV004087991.1).
Genomic context (GRCh38, chr10:79,307,488, plus strand): 5'-AACTTTGACTTCCCCCACGGGAACCCTGGAGGGACATCCATGAATGACTTCATGCACGGG[C>G]CCCCCCAGCTCTCCCACCCCCCGGACATGCCCAACAACATGGCCGCCCTCGAGAAACCCC-3'
Protein context (NP_065071.1, residues 908-928): GTSMNDFMHG[Pro918Ala]PQLSHPPDMP

ClinVar aggregate classification (germline): Uncertain significance (1 of 4 stars; one submission).

Submission:

GeneDx
Classification: Uncertain significance. Last evaluated: 2025-03-26. Review status: criteria provided, single submitter. Criteria: GeneDx Variant Classification Process June 2021. Collection method: clinical testing. Allele origin: germline. Affected: yes.
Comment: Not observed at significant frequency in large population cohorts (gnomAD); In silico analysis indicates that this missense variant does not alter protein structure/function; Has not been previously published as pathogenic or benign to our knowledge